The following is an entry in ClinVar:

ClinVar aggregate classification (germline): Conflicting classifications of pathogenicity. Review status: criteria provided, conflicting classifications (1 of 4 stars). 7 submissions from 7 submitters: Uncertain significance (5); Benign (1). 1 of the submissions does not count toward it. Last evaluated 2026-01-30.

Conditions:
Arthrogryposis multiplex congenita 6. Identifiers: MedGen C5543431, MONDO:0030281, OMIM 619334.
Nemaline myopathy 2 (NEM2). Also called: Nemaline myopathy 2, autosomal recessive. Identifiers: MedGen C1850569, MONDO:0009725, OMIM 256030.

Allele frequency attached by ClinVar (database versions not stated): TOPMed 0.00042; ESP Exome Variant Server 0.00044; gnomAD 0.00048 and 0.00052; gnomAD exomes 0.00057; ExAC 0.00064; 1000 Genomes Project 30x 0.00078; 1000 Genomes Project 0.00080.
gnomAD v4.1: 755 of 1,609,982 alleles (0.047%); highest among the groups gnomAD compares: Middle Eastern, 0.2%; no homozygotes.

Submissions (7):

Labcorp Genetics (formerly Invitae), Labcorp
Classification: Benign for Nemaline myopathy 2. Last evaluated: 2026-01-30. Review status: criteria provided, single submitter. Criteria: Invitae Variant Classification Sherloc (09022015). Collection method: clinical testing. Allele origin: germline.

Blueprint Genetics
Classification: Uncertain significance. Last evaluated: 2024-11-21. Review status: criteria provided, single submitter. Criteria: ACMG Guidelines, 2015. Collection method: clinical testing. Allele origin: germline.

Revvity Omics, Revvity
Classification: Uncertain significance. Last evaluated: 2024-10-17. Review status: criteria provided, single submitter. Criteria: ACMG Guidelines, 2015. Collection method: clinical testing. Allele origin: germline.

GeneDx
Classification: Uncertain significance. Last evaluated: 2022-03-23. Review status: criteria provided, single submitter. Criteria: GeneDx Variant Classification Process June 2021. Collection method: clinical testing. Allele origin: germline. Affected: yes.
Comment: In silico analysis supports that this missense variant does not alter protein structure/function; Has not been previously published as pathogenic or benign to our knowledge

Department of Pathology and Laboratory Medicine, Sinai Health System
Classification: Uncertain significance for Nemaline myopathy 2; Arthrogryposis multiplex congenita 6. Last evaluated: 2022-02-18. Review status: criteria provided, single submitter. Criteria: ACMG Guidelines, 2015. Collection method: research. Allele origin: germline.

Breakthrough Genomics
Classification: Uncertain significance. Review status: criteria provided, single submitter. Criteria: ACMG Guidelines, 2015. Collection method: not provided. Allele origin: germline. Inheritance: Autosomal recessive inheritance. Affected: yes.

Natera, Inc.
Classification: Uncertain significance for Nemaline myopathy type 2. Last evaluated: 2019-11-11. Review status: no assertion criteria provided. Collection method: clinical testing. Allele origin: germline. Not counted in ClinVar's aggregate classification.

NM_001164508.2(NEB):c.9047G>A (p.Arg3016Gln)

Gene: NEB (nebulin; minus strand). Cytogenetic location: 2q23.3.
Variant type: single nucleotide variant.
Coding change: c.9047G>A on transcript NM_001164508.2 (MANE Select); coding-DNA position 9047, G replaced by A.
Protein change: p.Arg3016Gln; replaces arginine 3016 with glutamine.
Molecular consequence: missense variant. On other transcripts: intron variant (1).
Genome position (GRCh38, 1-based): chr2:151,636,282, C>T on the plus strand (G>A on the coding strand, the complement: NEB is on the minus strand). VCF-style: chr2-151636282-C-T. GRCh37 (hg19) VCF-style: chr2-152492796-C-T.
Other names: c.9047G>A, p.Arg3016Gln (NM_001164507.2, NM_001271208.2); c.8853+3611G>A (NM_004543.5); short protein forms R3016Q.
Identifiers: ClinVar variation 451307 (VCV000451307.23), dbSNP rs373587647, ClinGen allele CA1909431.